The following is an entry in ClinVar:

ClinVar aggregate classification (germline): Benign/Likely benign. Review status: criteria provided, multiple submitters, no conflicts (2 of 4 stars). 9 submissions from 8 submitters: Benign (4); Likely benign (5). Last evaluated 2026-01-27.

Conditions:
Ehlers-Danlos syndrome, classic type, 1 (EDSCL1). Also called: Ehlers-Danlos syndrome, type 1; EHLERS-DANLOS SYNDROME, GRAVIS TYPE; EHLERS-DANLOS SYNDROME, SEVERE CLASSIC TYPE; Ehlers-Danlos Syndrome, Classic Type, COL5A1-Related; EDS I. Identifiers: MedGen C0268335, MONDO:0019567, OMIM 130000.
Fibromuscular dysplasia, multifocal. Identifiers: MedGen C5543412, MONDO:0859151, OMIM 619329.

Allele frequency attached by ClinVar (database versions not stated): ExAC 0.00006; gnomAD 0.00014; 1000 Genomes Project 0.00020; 1000 Genomes Project 30x 0.00031.
gnomAD v4.1: 145 of 1,550,080 alleles (0.0094%); highest among the groups gnomAD compares: Middle Eastern, 0.2%; no homozygotes.

Submissions (9):

Labcorp Genetics (formerly Invitae), Labcorp
Classification: Likely benign for Ehlers-Danlos syndrome, classic type, 1. Last evaluated: 2026-01-27. Review status: criteria provided, single submitter. Criteria: Invitae Variant Classification Sherloc (09022015). Collection method: clinical testing. Allele origin: germline.

Genomic Medicine Center of Excellence, King Faisal Specialist Hospital and Research Centre
Classification: Likely benign. Last evaluated: 2025-08-18. Review status: criteria provided, single submitter. Criteria: ACMG Guidelines, 2015. Collection method: clinical testing. Allele origin: germline.

Blueprint Genetics
Classification: Likely benign. Last evaluated: 2024-06-07. Review status: criteria provided, single submitter. Criteria: ACMG Guidelines, 2015. Collection method: clinical testing. Allele origin: germline.

Women's Health and Genetics/Laboratory Corporation of America, LabCorp
Classification: Benign. Last evaluated: 2024-03-30. Review status: criteria provided, single submitter. Criteria: LabCorp Variant Classification Summary - May 2015. Collection method: clinical testing. Allele origin: germline.

ARUP Laboratories, Molecular Genetics and Genomics, ARUP Laboratories
Classification: Likely benign. Last evaluated: 2022-12-27. Review status: criteria provided, single submitter. Criteria: ARUP Molecular Germline Variant Investigation Process 2024. Collection method: clinical testing. Allele origin: germline.

Genome-Nilou Lab
Classification: Benign for Ehlers-Danlos syndrome, classic type, 1. Last evaluated: 2022-03-15. Review status: criteria provided, single submitter. Criteria: ACMG Guidelines, 2015. Collection method: clinical testing. Allele origin: germline. Affected: no.

Genome-Nilou Lab
Classification: Benign for Fibromuscular dysplasia, multifocal. Last evaluated: 2022-03-15. Review status: criteria provided, single submitter. Criteria: ACMG Guidelines, 2015. Collection method: clinical testing. Allele origin: germline. Affected: no.

GeneDx
Classification: Benign. Last evaluated: 2014-08-14. Review status: criteria provided, single submitter. Criteria: GeneDx Variant Classification (06012015). Collection method: clinical testing. Allele origin: germline. Affected: yes.
Comment: This variant is considered likely benign or benign based on one or more of the following criteria: it is a conservative change, it occurs at a poorly conserved position in the protein, it is predicted to be benign by multiple in silico algorithms, and/or has population frequency not consistent with disease.

PreventionGenetics, part of Exact Sciences
Classification: Likely benign. Review status: criteria provided, single submitter. Criteria: ACMG Guidelines, 2015. Collection method: clinical testing. Allele origin: germline.

NM_000093.5(COL5A1):c.3906+19C>T

Gene: COL5A1 (collagen type V alpha 1 chain; plus strand). Cytogenetic location: 9q34.3.
Variant type: single nucleotide variant.
Coding change: c.3906+19C>T on transcript NM_000093.5 (MANE Select); 19 bases into the intron after coding-DNA position 3906, C replaced by T.
Molecular consequence: intron variant.
Genome position (GRCh38, 1-based): chr9:134,814,055, C>T. VCF-style: chr9-134814055-C-T. GRCh37 (hg19) VCF-style: chr9-137705901-C-T.
Other names: c.3906+19C>T (NM_001278074.1).
Identifiers: ClinVar variation 212904 (VCV000212904.15), dbSNP rs571788196, ClinGen allele CA325358.